The following is an entry in ClinVar:

ClinVar aggregate classification (germline): Pathogenic/Likely pathogenic. Review status: criteria provided, multiple submitters, no conflicts (2 of 4 stars). 3 submissions from 3 submitters: Pathogenic (1); Likely pathogenic (2). Last evaluated 2024-03-21.

Conditions:
Chédiak-Higashi syndrome (CHS). Also called: Chediak-Higashi Syndrome. Identifiers: Orphanet 167, MedGen C0007965, MONDO:0008963, OMIM 214500.

Submissions (3):

Fulgent Genetics
Classification: Likely pathogenic for Chédiak-Higashi syndrome. Last evaluated: 2024-03-21. Review status: criteria provided, single submitter. Criteria: ACMG Guidelines, 2015. Collection method: clinical testing. Allele origin: germline.

Baylor Genetics
Classification: Likely pathogenic for Chédiak-Higashi syndrome. Last evaluated: 2023-10-12. Review status: criteria provided, single submitter. Criteria: ACMG Guidelines, 2015. Collection method: clinical testing. Allele origin: unknown.

Labcorp Genetics (formerly Invitae), Labcorp
Classification: Pathogenic for ChÃ©diak-Higashi syndrome. Last evaluated: 2018-08-26. Review status: criteria provided, single submitter. Criteria: Invitae Variant Classification Sherloc (09022015). Collection method: clinical testing. Allele origin: germline.
Comment: This sequence change creates a premature translational stop signal (p.Ser1201Glnfs*15) in the LYST gene. It is expected to result in an absent or disrupted protein product. This variant is not present in population databases (ExAC no frequency). This variant has not been reported in the literature in individuals with LYST-related disease. Loss-of-function variants in LYST are known to be pathogenic (PMID: 9215679, 11857544). For these reasons, this variant has been classified as Pathogenic.

NM_000081.4(LYST):c.3601del (p.Ser1201fs)

Gene: LYST (lysosomal trafficking regulator; minus strand). Cytogenetic location: 1q42.3.
Variant type: Deletion.
Coding change: c.3601del on transcript NM_000081.4 (MANE Select); coding-DNA position 3601, one base deleted (T; older notation c.3601delT).
Protein change: p.Ser1201fs; shifts the reading frame from serine 1201.
Molecular consequence: frameshift variant.
Genome position (GRCh38, 1-based): chr1:235,803,019, A deleted on the plus strand (T on the coding strand, the reverse complement: LYST is on the minus strand); the first of 5 consecutive A bases (chr1:235,803,019-235,803,023); deleting any one gives the same sequence. VCF-style (leftmost placement, unchanged base first): chr1-235803018-GA-G. GRCh37 (hg19) VCF-style: chr1-235966318-GA-G.
Other names: c.3601del, p.Ser1201fs (NM_001301365.1); c.3601delT (NM_000081.3); short protein forms S1201fs.
Identifiers: ClinVar variation 662959 (VCV000662959.3), dbSNP rs2527037759, ClinGen allele CA915942059.